The following is an entry in ClinVar:

NM_002880.4(RAF1):c.1651A>G (p.Ile551Val)

Gene: RAF1 (Raf-1 proto-oncogene, serine/threonine kinase; minus strand). Cytogenetic location: 3p25.2.
Variant type: single nucleotide variant.
Coding change: c.1651A>G on transcript NM_002880.4 (MANE Select); coding-DNA position 1651, A replaced by G.
Protein change: p.Ile551Val; replaces isoleucine 551 with valine.
Molecular consequence: missense variant. On other transcripts: non-coding transcript variant (3).
Genome position (GRCh38, 1-based): chr3:12,585,139, T>C on the plus strand (A>G on the coding strand, the complement: RAF1 is on the minus strand). VCF-style: chr3-12585139-T-C. GRCh37 (hg19) VCF-style: chr3-12626638-T-C.
Other names: c.1711A>G, p.Ile571Val (NM_001354689.3); c.1651A>G, p.Ile551Val (NM_001354690.3); c.1408A>G, p.Ile470Val (NM_001354691.3, NM_001354692.3); c.1552A>G, p.Ile518Val (NM_001354693.3); c.1468A>G, p.Ile490Val (NM_001354694.3); c.1309A>G, p.Ile437Val (NM_001354695.3); short protein forms I437V, I470V, I490V, I518V, I551V, I571V.
Identifiers: ClinVar variation 3384364 (VCV003384364.2).
Genomic context (GRCh38, chr3:12,585,139, plus strand): 5'-GGGCTCCCACGAGTTGGGTCCTTTCGCACCAGCACAGACTTACCTGATCTCGGTTGTTGA[T>C]GTGAGAATAAGGAAGCTCCCCCGTCATCAGTTCATACAATACGATGCCATAGGAGTAGAC-3'
Protein context (NP_002871.1, residues 541-561): LMTGELPYSH[Ile551Val]NNRDQIIFMV

ClinVar aggregate classification (germline): Uncertain significance. Review status: criteria provided, multiple submitters, no conflicts (2 of 4 stars). 2 submissions from 2 submitters: Uncertain significance (2). Last evaluated 2024-06-06.

gnomAD v4.1: 14 of 1,614,180 alleles (0.00087%); highest among the groups gnomAD compares: Non-Finnish European, 0.0012%; no homozygotes.

Submissions (2):

GeneDx
Classification: Uncertain significance. Last evaluated: 2024-06-06. Review status: criteria provided, single submitter. Criteria: GeneDx Variant Classification Process June 2021. Collection method: clinical testing. Allele origin: germline. Affected: yes.
Comment: Has not been previously published as pathogenic or benign to our knowledge; Not observed at significant frequency in large population cohorts (gnomAD); In silico analysis indicates that this missense variant does not alter protein structure/function; Missense variants in this gene are a common cause of disease and they are underrepresented in the general population; This variant is associated with the following publications: (PMID: 29493581)

Blueprint Genetics
Classification: Uncertain significance. Last evaluated: 2021-09-07. Review status: criteria provided, single submitter. Criteria: ACMG Guidelines, 2015. Collection method: clinical testing. Allele origin: germline.